The following is an entry in ClinVar:

NM_000218.3(KCNQ1):c.521G>A (p.Arg174His)

Gene: KCNQ1 (potassium voltage-gated channel subfamily Q member 1; plus strand). Cytogenetic location: 11p15.5.
Variant type: single nucleotide variant.
Coding change: c.521G>A on transcript NM_000218.3 (MANE Select); coding-DNA position 521, G replaced by A.
Protein change: p.Arg174His; replaces arginine 174 with histidine.
Molecular consequence: missense variant.
Genome position (GRCh38, 1-based): chr11:2,570,671, G>A. VCF-style: chr11-2570671-G-A. GRCh37 (hg19) VCF-style: chr11-2591901-G-A.
Other names: c.521G>A, p.Arg174His (NM_001406836.1); c.251G>A, p.Arg84His (NM_001406837.1); c.140G>A, p.Arg47His (NM_181798.2); c.521G>A (LRG_287t1); short protein forms R174H, R47H, R84H.
Identifiers: ClinVar variation 53059 (VCV000053059.24), dbSNP rs199472697, ClinGen allele CA007329.

ClinVar aggregate classification (germline): Pathogenic/Likely pathogenic. Review status: criteria provided, multiple submitters, no conflicts (2 of 4 stars). 12 submissions from 12 submitters: Pathogenic (6); Likely pathogenic (5). 1 of the submissions does not count toward it. Last evaluated 2025-12-31.

Conditions:
Cardiovascular phenotype. Identifiers: MedGen CN230736.
KCNQ1-related disorder. Also called: KCNQ1-related disorders; KCNQ1-related condition. Identifiers: MedGen CN239322.
Cardiac arrhythmia. Also called: Arrhythmia; Cardiac rhythm disease. Identifiers: MedGen C0003811, MONDO:0007263, HP:0011675.
Familial long QT syndrome (RWS). Also called: Romano-Ward syndrome; Congenital long QT syndrome; VENTRICULAR FIBRILLATION WITH PROLONGED QT INTERVAL. Identifiers: Orphanet 768, MedGen C1141890, MONDO:0019171.
Jervell and Lange-Nielsen syndrome 1 (JLNS1). Also called: DEAFNESS, CONGENITAL, AND FUNCTIONAL HEART DISEASE; PROLONGED QT INTERVAL IN EKG AND SUDDEN DEATH; SURDO-CARDIAC SYNDROME; CARDIOAUDITORY SYNDROME OF JERVELL AND LANGE-NIELSEN. Identifiers: Orphanet 768, Orphanet 90647, MedGen C4551509, MONDO:0024540, OMIM 220400.
Short QT syndrome type 2. Identifiers: Orphanet 51083, MedGen C1865019, MONDO:0012313, OMIM 609621.
Atrial fibrillation, familial, 3 (ATFB3). Identifiers: MedGen C1837014, MONDO:0011857, OMIM 607554.
Beckwith-Wiedemann syndrome (BWS). Also called: EMG SYNDROME; Exomphalos macroglossia gigantism syndrome. Identifiers: Orphanet 116, MedGen C0004903, MONDO:0007534, OMIM 130650.
Long QT syndrome 1 (LQT1). Identifiers: Orphanet 101016, Orphanet 768, MedGen C4551647, MONDO:0100316, OMIM 192500, MONDO:0008646.
Long QT syndrome (LQTS). Identifiers: MedGen C0023976, MeSH D008133, MONDO:0002442. Disease mechanism: loss of function. Inheritance: Various modes of inheritance.

Allele frequency attached by ClinVar (database versions not stated): ExAC 0.00001; gnomAD exomes below 0.00001; gnomAD 0.00001.
gnomAD v4.1: 2 of 1,612,404 alleles (0.00012%); highest among the groups gnomAD compares: South Asian, 0.0011%; no homozygotes.

Submissions (12):

Labcorp Genetics (formerly Invitae), Labcorp
Classification: Pathogenic for Long QT syndrome. Last evaluated: 2025-12-31. Review status: criteria provided, single submitter. Criteria: Invitae Variant Classification Sherloc (09022015). Collection method: clinical testing. Allele origin: germline.
Comment: This sequence change replaces arginine, which is basic and polar, with histidine, which is basic and polar, at codon 174 of the KCNQ1 protein (p.Arg174His). The frequency data for this variant in the population databases is considered unreliable, as metrics indicate poor data quality at this position in the gnomAD database. This missense change has been observed in individuals with long QT syndrome (PMID: 10973849, 14998624, 19716085, 23130128; internal data). ClinVar contains an entry for this variant (Variation ID: 53059). Invitae Evidence Modeling of protein sequence and biophysical properties (such as structural, functional, and spatial information, amino acid conservation, physicochemical variation, residue mobility, and thermodynamic stability) indicates that this missense variant is expected to disrupt KCNQ1 protein function with a positive predictive value of 95%. Experimental studies have shown that this missense change affects KCNQ1 function (PMID: 29532034, 30571187). This variant disrupts the p.Arg174 amino acid residue in KCNQ1. Other variant(s) that disrupt this residue have been determined to be pathogenic (PMID: 9386136, 15840476, 23130128, 23392653). This suggests that this residue is clinically significant, and that variants that disrupt this residue are likely to be disease-causing. For these reasons, this variant has been classified as Pathogenic.

Color Diagnostics, LLC DBA Color Health
Classification: Pathogenic for Cardiac arrhythmia. Last evaluated: 2025-07-03. Review status: criteria provided, single submitter. Criteria: ACMG Guidelines, 2015. Collection method: clinical testing. Allele origin: germline.
Comment: This missense variant replaces arginine with histidine at codon 174 of the KCNQ1 protein. This variant is located within the conserved cytoplasmic linker (a.a. 169-196) of the KCNQ1 protein. Rare non-truncating variants in this region have been shown to be significantly overrepresented in individuals with long QT syndrome (PMID: 32893267). Computational prediction suggests that this variant may have a deleterious impact on protein structure and function. Functional studies have shown that this variant causes a significant decrease in channel conductance, surface expression, and ion channel conductivity (PMID: 29532034, 30571187). This variant has been reported in more than ten individuals affected with long QT syndrome (PMID: 10973849, 14998624, 15234419, 17470695, 19716085, 23130128, 34505893). This variant has been identified in 1/249456 chromosomes in the general population by the Genome Aggregation Database (gnomAD). Different variants affecting the same codon, (p.Arg174Cys and p.Arg174Leu), are considered to be disease-causing (ClinVar variation ID: 53058, 200814), suggesting that arginine at this position is important for KCNQ1 protein function. Based on the available evidence, this variant is classified as Pathogenic.

Ambry Genetics
Classification: Likely pathogenic for Cardiovascular phenotype. Last evaluated: 2023-11-16. Review status: criteria provided, single submitter. Criteria: Ambry Variant Classification Scheme 2023. Collection method: clinical testing. Allele origin: germline.
Comment: The p.R174H variant (also known as c.521G>A), located in coding exon 3 of the KCNQ1 gene, results from a G to A substitution at nucleotide position 521. The arginine at codon 174 is replaced by histidine, an amino acid with highly similar properties. This variant has been described in association with long QT syndrome (LQTS) (Splawski I et al. Circulation. 2000;102(10):1178-85; Lupoglazoff JM et al. J. Am. Coll. Cardiol. 2004;43(5):826-30; Shimizu W et al. J. Am. Coll. Cardiol. 2004;44(1):117-25; Kapplinger JD et al. Heart Rhythm. 2009;6(9):1297-303). Functional analysis suggests this alteration causes a dominant negative trafficking defect (Vanoye CG et al. Circ Genom Precis Med, 2018 11;11:e002345; Huang H et al. Sci Adv. 2018;4:eaar2631). This amino acid position is highly conserved in available vertebrate species. In addition, this alteration is predicted to be deleterious by in silico analysis. Based on the majority of available evidence to date, this variant is likely to be pathogenic.

Fulgent Genetics
Classification: Pathogenic for Beckwith-Wiedemann syndrome; Long QT syndrome 1; Jervell and Lange-Nielsen syndrome 1; Atrial fibrillation, familial, 3; Short QT syndrome type 2. Last evaluated: 2021-12-03. Review status: criteria provided, single submitter. Criteria: ACMG Guidelines, 2015. Collection method: clinical testing. Allele origin: unknown.

Blueprint Genetics
Classification: Pathogenic for KCNQ1-related disorders. Last evaluated: 2021-06-30. Review status: criteria provided, single submitter. Criteria: ACMG Guidelines, 2015. Collection method: clinical testing. Allele origin: germline. Affected: yes. Observed: 5 variant alleles.

Molecular Diagnostic Laboratory for Inherited Cardiovascular Disease, Montreal Heart Institute
Classification: Likely pathogenic. Last evaluated: 2019-07-31. Review status: criteria provided, single submitter. Criteria: ACMG Guidelines, 2015. Collection method: clinical testing. Allele origin: germline. Affected: yes.

Biesecker Lab/Clinical Genomics Section, National Institutes of Health
Classification: Likely pathogenic for Long QT syndrome 1. Last evaluated: 2017-11-08. Review status: criteria provided, single submitter. Criteria: ACMG Guidelines, 2015. Collection method: curation. Allele origin: germline. Study: CSER_ClinSeq.

Royal Brompton Clinical Genetics And Genomics Laboratory, NHS South East Genomic Laboratory Hub
Classification: Pathogenic for Long QT syndrome, LQT1 subtype. Last evaluated: 2017-09-29. Review status: criteria provided, single submitter. Criteria: RBHT-CGGL ClinVar Assertion Criteria. Collection method: clinical testing. Allele origin: germline. Affected: yes. Observed: 1 variant allele.
Comment: This variant has been reported in multiple patients with LQTS (1. Denjoy et al. (1999) Arch Mal Coeur Vaiss. 92(5):557-63; Splawski et al. (2000) Circulation. 102(10):1178-85; Shimizu et al. (2004) J Am Coll Cardiol. 44(1):117-25; Moss et al. (2007) Circulation. 115(19):2481-9; Kapplinger et al. (2009) Heart Rhythm. 6(9):1297-303Í¾ Lupoglazoff et al J Am Coll Cardiol. 2004 Mar 3Í¾43(5):82630; ClinVar variation ID 53059), and has been detected in a single individual in control populations (ExAC database 1/16484 alleles). Other variants at the same amino acid residue have also been reported in association with LQTS: p.Arg174Cys (pubmed: 9386136, 15840476, 19716085, 19934648, 9312006, 11668638); p.Arg174Leu (pubmed: 21956039); p.Arg174Pro (pubmed: 16414944). This variant occurs in the Transmembrane/Linker/Pore region of KCNQ1. Variants found in this region have been shown to have a high probability of pathogenicity (Kapa et al. Circulation. 2009 Nov 3Í¾ 120(18): 1752â€“1760). In silico analysis predicts pathogenicity (SIFT; PolyPhen; Mutation Taster; LRT, FATHMM; MutationAssessor) but these predictions have not been confirmed by published functional studies. The affected amino acid residue is highly conserved across species.

Stanford Center for Inherited Cardiovascular Disease, Stanford University
Classification: Likely pathogenic. Last evaluated: 2012-02-08. Review status: criteria provided, single submitter. Criteria: ACMG Guidelines, 2015. Collection method: provider interpretation. Allele origin: germline.

Clinical Genetics Service, Universitary Hospital 12 de Octubre
Classification: Pathogenic for Long QT syndrome 1. Review status: criteria provided, single submitter. Criteria: ACMG Guidelines, 2015. Collection method: clinical testing. Allele origin: germline. Affected: yes.

Juno Genomics, Hangzhou Juno Genomics, Inc
Classification: Likely pathogenic for Long QT syndrome 1. Review status: criteria provided, single submitter. Criteria: ACMG Guidelines, 2015. Collection method: clinical testing. Allele origin: germline.
Comment: Absent from controls (or at extremely low frequency if recessive) in Genome Aggregation Database.;Multiple lines of computational evidence support a deleterious effect on the gene or gene product.;Novel missense change at an amino acid residue where a different missense change determined to be pathogenic has been seen before.;The prevalence of the variant in affected individuals is significantly increased compared to the prevalence in controls.

Cardiovascular Biomedical Research Unit, Royal Brompton & Harefield NHS Foundation Trust
No classification provided. Condition: Familial long QT syndrome. Review status: no classification provided. Collection method: literature only. Allele origin: germline. Not counted in ClinVar's aggregate classification.
Comment: This variant has been reported as associated with Long QT syndrome in the following publications (PMID:10367071;PMID:10973849;PMID:14998624;PMID:19716085;PMID:15234419;PMID:17470695). This is a literature report, and does not necessarily reflect the clinical interpretation of the Imperial College / Royal Brompton Cardiovascular Genetics laboratory.

Literature cited by the submitters: PubMed 10973849 (cited by 3 submitters); PubMed 14998624 (cited by 3 submitters); PubMed 19716085 (cited by 3 submitters); PubMed 23130128 (cited by Labcorp Genetics (formerly Invitae), Labcorp and Color Diagnostics, LLC DBA Color Health); PubMed 29532034 (cited by 3 submitters); PubMed 30571187 (cited by 3 submitters); PubMed 9386136 (cited by Labcorp Genetics (formerly Invitae), Labcorp); PubMed 15840476 (cited by Labcorp Genetics (formerly Invitae), Labcorp); PubMed 23392653 (cited by Labcorp Genetics (formerly Invitae), Labcorp); PubMed 15234419 (cited by Color Diagnostics, LLC DBA Color Health and Cardiovascular Biomedical Research Unit, Royal Brompton & Harefield NHS Foundation Trust); PubMed 17470695 (cited by Color Diagnostics, LLC DBA Color Health and Cardiovascular Biomedical Research Unit, Royal Brompton & Harefield NHS Foundation Trust); PubMed 32893267 (cited by Color Diagnostics, LLC DBA Color Health); PubMed 34505893 (cited by Color Diagnostics, LLC DBA Color Health and Ambry Genetics); PubMed 10367071 (cited by Ambry Genetics and Cardiovascular Biomedical Research Unit, Royal Brompton & Harefield NHS Foundation Trust); PubMed 20486126 (cited by Ambry Genetics); PubMed 27251404 (cited by Ambry Genetics); PubMed 22581653 (cited by Cardiovascular Biomedical Research Unit, Royal Brompton & Harefield NHS Foundation Trust).